The following is an entry in ClinVar:

NM_021927.3(GUF1):c.669G>A (p.Lys223=)

Gene: GUF1 (GTP binding elongation factor GUF1; plus strand). Cytogenetic location: 4p12.
Variant type: single nucleotide variant.
Coding change: c.669G>A on transcript NM_021927.3 (MANE Select); coding-DNA position 669, G replaced by A.
Protein change: p.Lys223=; no amino-acid change (lysine 223 retained).
Molecular consequence: synonymous variant. On other transcripts: 5 prime UTR variant (2).
Genome position (GRCh38, 1-based): chr4:44,683,318, G>A. VCF-style: chr4-44683318-G-A. GRCh37 (hg19) VCF-style: chr4-44685335-G-A.
Other names: c.-304G>A (NM_001345867.2, NM_001345869.2); c.669G>A, p.Lys223= (NM_001345868.2).
Identifiers: ClinVar variation 1492007 (VCV001492007.6), dbSNP rs1714875829, ClinGen allele CA439156447.

ClinVar aggregate classification (germline): Uncertain significance (1 of 4 stars; one submission).

Allele frequency attached by ClinVar (database versions not stated): gnomAD exomes below 0.00001.
gnomAD v4.1: 2 of 1,502,010 alleles (0.00013%); highest among the groups gnomAD compares: Non-Finnish European, 0.00018%; no homozygotes.

Submission:

Labcorp Genetics (formerly Invitae), Labcorp
Classification: Uncertain significance. Last evaluated: 2022-09-12. Review status: criteria provided, single submitter. Criteria: Invitae Variant Classification Sherloc (09022015). Collection method: clinical testing. Allele origin: germline.
Comment: This variant is not present in population databases (gnomAD no frequency). This sequence change affects codon 223 of the GUF1 mRNA. It is a 'silent' change, meaning that it does not change the encoded amino acid sequence of the GUF1 protein. This variant also falls at the last nucleotide of exon 6, which is part of the consensus splice site for this exon. This variant has not been reported in the literature in individuals affected with GUF1-related conditions. ClinVar contains an entry for this variant (Variation ID: 1492007). Variants that disrupt the consensus splice site are a relatively common cause of aberrant splicing (PMID: 17576681, 9536098). Algorithms developed to predict the effect of sequence changes on RNA splicing suggest that this variant may disrupt the consensus splice site. In summary, the available evidence is currently insufficient to determine the role of this variant in disease. Therefore, it has been classified as a Variant of Uncertain Significance.

Literature cited by the submitters: PubMed 17576681; PubMed 9536098.